The following is an entry in ClinVar:

NM_014629.4(ARHGEF10):c.1839C>G (p.Ser613Arg)

Gene: ARHGEF10 (Rho guanine nucleotide exchange factor 10; plus strand). Cytogenetic location: 8p23.3.
Variant type: single nucleotide variant.
Coding change: c.1839C>G on transcript NM_014629.4 (MANE Select); coding-DNA position 1839, C replaced by G.
Protein change: p.Ser613Arg; replaces serine 613 with arginine.
Molecular consequence: missense variant.
Genome position (GRCh38, 1-based): chr8:1,905,588, C>G. VCF-style: chr8-1905588-C-G. GRCh37 (hg19) VCF-style: chr8-1853754-C-G.
Other names: c.1725C>G, p.Ser575Arg (NM_001308152.2); c.1839C>G, p.Ser613Arg (NM_001308153.3); short protein forms S613R, S575R, S637R.
Identifiers: ClinVar variation 2974417 (VCV002974417.3), dbSNP rs753668896, ClinGen allele CA4600603.

ClinVar aggregate classification (germline): Uncertain significance (1 of 4 stars; one submission).

Allele frequency attached by ClinVar (database versions not stated): TOPMed 0.00001; ExAC 0.00002.
gnomAD v4.1: 68 of 1,614,060 alleles (0.0042%); highest among the groups gnomAD compares: Middle Eastern, 0.016%; no homozygotes.

Submission:

Labcorp Genetics (formerly Invitae), Labcorp
Classification: Uncertain significance. Last evaluated: 2023-06-02. Review status: criteria provided, single submitter. Criteria: Invitae Variant Classification Sherloc (09022015). Collection method: clinical testing. Allele origin: germline.
Comment: In summary, the available evidence is currently insufficient to determine the role of this variant in disease. Therefore, it has been classified as a Variant of Uncertain Significance. Advanced modeling of protein sequence and biophysical properties (such as structural, functional, and spatial information, amino acid conservation, physicochemical variation, residue mobility, and thermodynamic stability) performed at Invitae indicates that this missense variant is not expected to disrupt ARHGEF10 protein function. This variant has not been reported in the literature in individuals affected with ARHGEF10-related conditions. This variant is present in population databases (rs753668896, gnomAD 0.004%). This sequence change replaces serine, which is neutral and polar, with arginine, which is basic and polar, at codon 613 of the ARHGEF10 protein (p.Ser613Arg).